The following is an entry in ClinVar:

NM_014476.6(PDLIM3):c.63del (p.Ile21fs)

Gene: PDLIM3 (PDZ and LIM domain 3; minus strand). Cytogenetic location: 4q35.1.
Variant type: Deletion.
Coding change: c.63del on transcript NM_014476.6 (MANE Select); coding-DNA position 63, one base deleted (A; older notation c.63delA).
Protein change: p.Ile21fs; shifts the reading frame from isoleucine 21.
Molecular consequence: frameshift variant. On other transcripts: non-coding transcript variant (1).
Genome position (GRCh38, 1-based): chr4:185,535,372, T deleted on the plus strand (A on the coding strand, the reverse complement: PDLIM3 is on the minus strand). VCF-style (leftmost placement, unchanged base first): chr4-185535371-CT-C. GRCh37 (hg19) VCF-style: chr4-186456525-CT-C.
Other names: c.63del, p.Ile21fs (NM_001114107.5, NM_001257962.2, NM_001257963.2); short protein forms I21fs.
Identifiers: ClinVar variation 2029617 (VCV002029617.4), dbSNP rs2478479227, ClinGen allele CA2580071696.

ClinVar aggregate classification (germline): Uncertain significance (1 of 4 stars; one submission).

Conditions:
Primary dilated cardiomyopathy (DCM). Also called: Dilated Cardiomyopathy. Identifiers: Orphanet 217604, MedGen C0007193, MeSH D002311, MONDO:0005021, HP:0001644. Inheritance: Various modes of inheritance.
Hypertrophic cardiomyopathy. Also called: HYPERTROPHIC MYOCARDIOPATHY. Identifiers: Orphanet 217569, MedGen C0007194, MeSH D002312, MONDO:0005045, HP:0001639.

Submission:

Labcorp Genetics (formerly Invitae), Labcorp
Classification: Uncertain significance for Hypertrophic cardiomyopathy; Primary dilated cardiomyopathy. Last evaluated: 2022-09-09. Review status: criteria provided, single submitter. Criteria: Invitae Variant Classification Sherloc (09022015). Collection method: clinical testing. Allele origin: germline.
Comment: This sequence change creates a premature translational stop signal (p.Ile21Metfs*40) in the PDLIM3 gene. It is expected to result in an absent or disrupted protein product. However, the current clinical and genetic evidence is not sufficient to establish whether loss-of-function variants in PDLIM3 cause disease. This variant is not present in population databases (gnomAD no frequency). This variant has not been reported in the literature in individuals affected with PDLIM3-related conditions. In summary, the available evidence is currently insufficient to determine the role of this variant in disease. Therefore, it has been classified as a Variant of Uncertain Significance.